The following is an entry in ClinVar:

ClinVar aggregate classification (germline): Uncertain significance (1 of 4 stars; one submission).

Conditions:
Gorlin syndrome. Also called: Nevoid Basal Cell Carcinoma Syndrome; Basal cell nevus syndrome. Identifiers: Orphanet 377, MedGen C0004779, MONDO:0007187.

Submission:

Labcorp Genetics (formerly Invitae), Labcorp
Classification: Uncertain significance for Gorlin syndrome. Last evaluated: 2025-12-19. Review status: criteria provided, single submitter. Criteria: Invitae Variant Classification Sherloc (09022015). Collection method: clinical testing. Allele origin: germline.
Comment: This sequence change falls in intron 2 of the PTCH2 gene. It does not directly change the encoded amino acid sequence of the PTCH2 protein. Information on the frequency of this variant in the gnomAD database is not available, as this variant may be reported differently in the database. This variant has not been reported in the literature in individuals affected with PTCH2-related conditions. Experimental studies and prediction algorithms are not available or were not evaluated, and the effect of this variant on mRNA splicing is currently unknown. In summary, the available evidence is currently insufficient to determine the role of this variant in disease. Therefore, it has been classified as a Variant of Uncertain Significance.

NM_003738.5(PTCH2):c.265+12_265+13inv

Gene: PTCH2 (patched 2; minus strand). Cytogenetic location: 1p34.1.
Variant type: Inversion.
Coding change: c.265+12_265+13inv on transcript NM_003738.5 (MANE Select).
Molecular consequence: intron variant.
Genome position: GRCh38 VCF-style: chr1-44841834-GT-AC. GRCh37 (hg19) VCF-style: chr1-45307506-GT-AC.
Other names: c.265+12_265+13inv (NM_001166292.2).
Identifiers: ClinVar variation 4750093 (VCV004750093.1).